The following is an entry in ClinVar:

NM_001330588.2(TPP2):c.3016T>G (p.Leu1006Val)

Gene: TPP2 (tripeptidyl peptidase 2; plus strand). Cytogenetic location: 13q33.1.
Variant type: single nucleotide variant.
Coding change: c.3016T>G on transcript NM_001330588.2 (MANE Select); coding-DNA position 3016, T replaced by G.
Protein change: p.Leu1006Val; replaces leucine 1006 with valine.
Molecular consequence: missense variant. On other transcripts: non-coding transcript variant (1).
Genome position (GRCh38, 1-based): chr13:102,657,080, T>G. VCF-style: chr13-102657080-T-G. GRCh37 (hg19) VCF-style: chr13-103309430-T-G.
Other names: c.3016T>G, p.Leu1006Val (LRG_1341t1); c.2977T>G, p.Leu993Val (NM_001367947.1, NM_003291.4); short protein forms L1006V, L993V.
Identifiers: ClinVar variation 640927 (VCV000640927.8), dbSNP rs771401733, ClinGen allele CA7038173.

ClinVar aggregate classification (germline): Uncertain significance (1 of 4 stars; one submission).

Conditions:
Evans syndrome, immunodeficiency, and premature immunosenescence associated with tripeptidyl-peptidase II deficiency. Identifiers: MedGen CN231723. Disease mechanism: loss of function.

Allele frequency attached by ClinVar (database versions not stated): gnomAD exomes below 0.00001; ExAC 0.00001.
gnomAD v4.1: 1 of 1,593,442 alleles (0.000063%); highest among the groups gnomAD compares: Non-Finnish European, 0.000085%; no homozygotes.

Submission:

Labcorp Genetics (formerly Invitae), Labcorp
Classification: Uncertain significance for Evans syndrome, immunodeficiency, and premature immunosenescence associated with tripeptidyl-peptidase II deficiency. Last evaluated: 2018-09-19. Review status: criteria provided, single submitter. Criteria: Invitae Variant Classification Sherloc (09022015). Collection method: clinical testing. Allele origin: germline.
Comment: This sequence change replaces leucine with valine at codon 993 of the TPP2 protein (p.Leu993Val). The leucine residue is highly conserved and there is a small physicochemical difference between leucine and valine. This variant is present in population databases (rs771401733, ExAC 0.002%). This variant has not been reported in the literature in individuals with TPP2-related disease. Algorithms developed to predict the effect of missense changes on protein structure and function are either unavailable or do not agree on the potential impact of this missense change (SIFT: "Deleterious"; PolyPhen-2: "Benign"; Align-GVGD: "Class C25"). Algorithms developed to predict the effect of sequence changes on RNA splicing suggest that this variant may create or strengthen a splice site, but this prediction has not been confirmed by published transcriptional studies. In summary, the available evidence is currently insufficient to determine the role of this variant in disease. Therefore, it has been classified as a Variant of Uncertain Significance.